The following is an entry in ClinVar:

ClinVar aggregate classification (germline): Uncertain significance (1 of 4 stars; one submission).

Conditions:
Hereditary sensory and autonomic neuropathy type 7. Also called: Neuropathy, hereditary sensory and autonomic, type VII; HSAN VII. Identifiers: Orphanet 391397, MedGen C3809882, MONDO:0014244, OMIM 615548.
Familial episodic pain syndrome with predominantly lower limb involvement. Also called: Episodic pain syndrome, familial, 3. Identifiers: Orphanet 391384, Orphanet 391392, MedGen C3809899, MONDO:0014247, OMIM 615552.

gnomAD v4.1: 6 of 1,532,304 alleles (0.00039%); highest among the groups gnomAD compares: Middle Eastern, 0.017%; no homozygotes.

Submission:

Labcorp Genetics (formerly Invitae), Labcorp
Classification: Uncertain significance for Familial episodic pain syndrome with predominantly lower limb involvement; Hereditary sensory and autonomic neuropathy type 7. Last evaluated: 2021-01-22. Review status: criteria provided, single submitter. Criteria: Invitae Variant Classification Sherloc (09022015). Collection method: clinical testing. Allele origin: germline.
Comment: In summary, the available evidence is currently insufficient to determine the role of this variant in disease. Therefore, it has been classified as a Variant of Uncertain Significance. This sequence change falls in intron 20 of the SCN11A gene. It does not directly change the encoded amino acid sequence of the SCN11A protein. It affects a nucleotide within the consensus splice site of the intron. This variant is not present in population databases (ExAC no frequency). This variant has not been reported in the literature in individuals with SCN11A-related conditions. Nucleotide substitutions within the consensus splice site are a relatively common cause of aberrant splicing (PMID: 17576681, 9536098). Algorithms developed to predict the effect of sequence changes on RNA splicing suggest that this variant may create or strengthen a splice site, but this prediction has not been confirmed by published transcriptional studies.

Literature cited by the submitters: PubMed 17576681; PubMed 9536098.

NM_001349253.2(SCN11A):c.3495+5A>G

Gene: SCN11A (sodium voltage-gated channel alpha subunit 11; minus strand). Cytogenetic location: 3p22.2.
Variant type: single nucleotide variant.
Coding change: c.3495+5A>G on transcript NM_001349253.2 (MANE Select); 5 bases into the intron after coding-DNA position 3495, A replaced by G.
Molecular consequence: intron variant.
Genome position (GRCh38, 1-based): chr3:38,872,188, T>C on the plus strand (A>G on the coding strand, the complement: SCN11A is on the minus strand). VCF-style: chr3-38872188-T-C. GRCh37 (hg19) VCF-style: chr3-38913679-T-C.
Other names: c.3495+5A>G (NM_014139.3).
Identifiers: ClinVar variation 1504427 (VCV001504427.6), dbSNP rs748710219, ClinGen allele CA906889159.